The following is an entry in ClinVar:

NM_003072.5(SMARCA4):c.1141C>G (p.Arg381Gly)

Gene: SMARCA4 (SWI/SNF related BAF chromatin remodeling complex subunit ATPase 4; plus strand). Cytogenetic location: 19p13.2.
Variant type: single nucleotide variant.
Coding change: c.1141C>G on transcript NM_003072.5 (MANE Select); coding-DNA position 1141, C replaced by G.
Protein change: p.Arg381Gly; replaces arginine 381 with glycine.
Molecular consequence: missense variant. On other transcripts: non-coding transcript variant (1).
Genome position (GRCh38, 1-based): chr19:10,989,339, C>G. VCF-style: chr19-10989339-C-G. GRCh37 (hg19) VCF-style: chr19-11100015-C-G.
Other names: c.1141C>G, p.Arg381Gly (NM_001128844.3, NM_001128845.2, NM_001128846.2 and 6 more transcripts); short protein forms R381G.
Identifiers: ClinVar variation 3320768 (VCV003320768.1).

ClinVar aggregate classification (germline): Uncertain significance (1 of 4 stars; one submission).

Conditions:
Hereditary cancer-predisposing syndrome. Also called: Neoplastic Syndromes, Hereditary; Tumor predisposition; Hereditary neoplastic syndrome; Hereditary Cancer Syndrome. Identifiers: Orphanet 140162, MedGen C0027672, MeSH D009386, MONDO:0015356.

Submission:

Ambry Genetics
Classification: Uncertain significance for Hereditary cancer-predisposing syndrome. Last evaluated: 2024-06-08. Review status: criteria provided, single submitter. Criteria: Ambry Variant Classification Scheme 2023. Collection method: clinical testing. Allele origin: germline.
Comment: The p.R381G variant (also known as c.1141C>G), located in coding exon 6 of the SMARCA4 gene, results from a C to G substitution at nucleotide position 1141. The arginine at codon 381 is replaced by glycine, an amino acid with dissimilar properties. This amino acid position is conserved. In addition, this alteration is predicted to be deleterious by in silico analysis. Based on the available evidence, the clinical significance of this variant remains unclear.